The following is an entry in ClinVar:

ClinVar aggregate classification (germline): Uncertain significance (1 of 4 stars; one submission).

Conditions:
Developmental and epileptic encephalopathy, 8 (DEE8). Also called: HYPEREKPLEXIA AND EPILEPSY. Identifiers: Orphanet 163985, Orphanet 2076, MedGen C1845102, MONDO:0010375, OMIM 300607.

Submission:

Labcorp Genetics (formerly Invitae), Labcorp
Classification: Uncertain significance for Developmental and epileptic encephalopathy, 8. Last evaluated: 2024-09-10. Review status: criteria provided, single submitter. Criteria: Invitae Variant Classification Sherloc (09022015). Collection method: clinical testing. Allele origin: germline.
Comment: This sequence change replaces arginine, which is basic and polar, with cysteine, which is neutral and slightly polar, at codon 365 of the ARHGEF9 protein (p.Arg365Cys). This variant is not present in population databases (gnomAD no frequency). This variant has not been reported in the literature in individuals affected with ARHGEF9-related conditions. Invitae Evidence Modeling of protein sequence and biophysical properties (such as structural, functional, and spatial information, amino acid conservation, physicochemical variation, residue mobility, and thermodynamic stability) has been performed for this missense variant. However, the output from this modeling did not meet the statistical confidence thresholds required to predict the impact of this variant on ARHGEF9 protein function. This variant disrupts the p.Arg365 amino acid residue in ARHGEF9. Other variant(s) that disrupt this residue have been determined to be pathogenic (PMID: 35638461). This suggests that this residue is clinically significant, and that variants that disrupt this residue are likely to be disease-causing. In summary, the available evidence is currently insufficient to determine the role of this variant in disease. Therefore, it has been classified as a Variant of Uncertain Significance.

Literature cited by the submitters: PubMed 35638461.

NM_001353921.2(ARHGEF9):c.1114C>T (p.Arg372Cys)

Gene: ARHGEF9 (Cdc42 guanine nucleotide exchange factor 9; minus strand). Cytogenetic location: Xq11.1.
Variant type: single nucleotide variant.
Coding change: c.1114C>T on transcript NM_001353921.2 (MANE Select); coding-DNA position 1114, C replaced by T.
Protein change: p.Arg372Cys; replaces arginine 372 with cysteine.
Molecular consequence: missense variant. On other transcripts: intron variant (2).
Genome position (GRCh38, 1-based): chrX:63,655,701, G>A on the plus strand (C>T on the coding strand, the complement: ARHGEF9 is on the minus strand). VCF-style: chrX-63655701-G-A. GRCh37 (hg19) VCF-style: chrX-62875581-G-A.
Other names: c.934C>T, p.Arg312Cys (NM_001173479.2); c.787C>T, p.Arg263Cys (NM_001173480.2, NM_001369042.1); c.1030C>T, p.Arg344Cys (NM_001330495.2, NM_001369033.1, NM_001369034.1 and 4 more transcripts); c.982C>T, p.Arg328Cys (NM_001353922.2); c.1132C>T, p.Arg378Cys (NM_001353923.1); c.913C>T, p.Arg305Cys (NM_001353924.2, NM_001353926.2, NM_001369039.1 and 1 more transcripts); c.898C>T, p.Arg300Cys (NM_001353927.2, NM_001369041.1); c.961C>T, p.Arg321Cys (NM_001353928.2); and 3 more; short protein forms R183C, R263C, R300C, R305C, R312C, R321C, R328C, R344C.
Identifiers: ClinVar variation 3623120 (VCV003623120.2).
Genomic context (GRCh38, chrX:63,655,701, plus strand): 5'-TGAAGTCATCATCTCTGCCATCCTCAATGTCAACTACCTCATATTTATCCATGTCAATGC[G>A]GCCTTTGTAGTACAGGATGTCTCTCCGGATTAGGTCCTAGATGGGAAGGAAGAGGTTTCT-3'
Protein context (NP_001340850.1, residues 362-382): IRRDILYYKG[Arg372Cys]IDMDKYEVVD